The following is an entry in ClinVar:

ClinVar aggregate classification (germline): Uncertain significance (1 of 4 stars; one submission).

Conditions:
Inborn genetic diseases. Identifiers: MedGen C0950123, MeSH D030342.

Submission:

Ambry Genetics
Classification: Uncertain significance for Inborn genetic diseases. Last evaluated: 2023-10-05. Review status: criteria provided, single submitter. Criteria: Ambry Variant Classification Scheme 2023. Collection method: clinical testing. Allele origin: germline.
Comment: The p.Y1722C variant (also known as c.5165A>G), located in coding exon 29 of the ATR gene, results from an A to G substitution at nucleotide position 5165. The tyrosine at codon 1722 is replaced by cysteine, an amino acid with highly dissimilar properties. This amino acid position is conserved. In addition, this alteration is predicted to be deleterious by in silico analysis. Since supporting evidence is limited at this time, the clinical significance of this alteration remains unclear.

NM_001184.4(ATR):c.5165A>G (p.Tyr1722Cys)

Gene: ATR (ATR checkpoint kinase; minus strand). Cytogenetic location: 3q23.
Variant type: single nucleotide variant.
Coding change: c.5165A>G on transcript NM_001184.4 (MANE Select); coding-DNA position 5165, A replaced by G.
Protein change: p.Tyr1722Cys; replaces tyrosine 1722 with cysteine.
Molecular consequence: missense variant.
Genome position (GRCh38, 1-based): chr3:142,505,170, T>C on the plus strand (A>G on the coding strand, the complement: ATR is on the minus strand). VCF-style: chr3-142505170-T-C. GRCh37 (hg19) VCF-style: chr3-142224012-T-C.
Other names: c.4973A>G, p.Tyr1658Cys (NM_001354579.2); short protein forms Y1658C, Y1722C.
Identifiers: ClinVar variation 3221196 (VCV003221196.1), dbSNP rs2473189777, ClinGen allele CA354819785.